The following is an entry in ClinVar:

NM_212482.4(FN1):c.4582A>G (p.Ser1528Gly)

Gene: FN1 (fibronectin 1; minus strand). Cytogenetic location: 2q35.
Variant type: single nucleotide variant.
Coding change: c.4582A>G on transcript NM_212482.4 (MANE Select); coding-DNA position 4582, A replaced by G.
Protein change: p.Ser1528Gly; replaces serine 1528 with glycine.
Molecular consequence: missense variant.
Genome position (GRCh38, 1-based): chr2:215,386,719, T>C on the plus strand (A>G on the coding strand, the complement: FN1 is on the minus strand). VCF-style: chr2-215386719-T-C. GRCh37 (hg19) VCF-style: chr2-216251442-T-C.
Other names: c.4582A>G, p.Ser1528Gly (NM_001306129.2, NM_001306130.2, NM_001365517.2 and 3 more transcripts); c.4309A>G, p.Ser1437Gly (NM_001306131.2, NM_001306132.2, NM_001365518.2 and 7 more transcripts); short protein forms S1437G, S1528G.
Identifiers: ClinVar variation 1431085 (VCV001431085.6), dbSNP rs1160138127, ClinGen allele CA350481089.

ClinVar aggregate classification (germline): Uncertain significance (1 of 4 stars; one submission).

Allele frequency attached by ClinVar (database versions not stated): gnomAD exomes below 0.00001.
gnomAD v4.1: 3 of 1,613,984 alleles (0.00019%); highest among the groups gnomAD compares: Non-Finnish European, 0.00025%; no homozygotes.

Submission:

Labcorp Genetics (formerly Invitae), Labcorp
Classification: Uncertain significance. Last evaluated: 2020-12-21. Review status: criteria provided, single submitter. Criteria: Invitae Variant Classification Sherloc (09022015). Collection method: clinical testing. Allele origin: germline.
Comment: This sequence change replaces serine with glycine at codon 1528 of the FN1 protein (p.Ser1528Gly). The serine residue is highly conserved and there is a small physicochemical difference between serine and glycine. In summary, the available evidence is currently insufficient to determine the role of this variant in disease. Therefore, it has been classified as a Variant of Uncertain Significance. Algorithms developed to predict the effect of missense changes on protein structure and function are either unavailable or do not agree on the potential impact of this missense change (SIFT: "Not Available"; PolyPhen-2: "Probably Damaging"; Align-GVGD: "Not Available"). This variant has not been reported in the literature in individuals with FN1-related conditions. This variant is not present in population databases (ExAC no frequency).